The following is an entry in ClinVar:

ClinVar aggregate classification (germline): Uncertain significance. Review status: criteria provided, multiple submitters, no conflicts (2 of 4 stars). 2 submissions from 2 submitters: Uncertain significance (2). Last evaluated 2025-10-22.

Conditions:
Inborn genetic diseases. Identifiers: MedGen C0950123, MeSH D030342.

gnomAD v4.1: 3 of 1,613,882 alleles (0.00019%); highest among the groups gnomAD compares: East Asian, 0.0067%; no homozygotes.

Submissions (2):

Ambry Genetics
Classification: Uncertain significance for Inborn genetic diseases. Last evaluated: 2025-10-22. Review status: criteria provided, single submitter. Criteria: Ambry Variant Classification Scheme 2023. Collection method: clinical testing. Allele origin: germline.

GeneDx
Classification: Uncertain significance. Last evaluated: 2025-04-15. Review status: criteria provided, single submitter. Criteria: GeneDx Variant Classification Process June 2021. Collection method: clinical testing. Allele origin: germline. Affected: yes.
Comment: Not observed at significant frequency in large population cohorts (gnomAD); In silico analysis supports that this missense variant has a deleterious effect on protein structure/function; Has not been previously published as pathogenic or benign to our knowledge

NM_133259.4(LRPPRC):c.1316C>A (p.Pro439His)

Gene: LRPPRC (leucine rich pentatricopeptide repeat containing; minus strand). Cytogenetic location: 2p21.
Variant type: single nucleotide variant.
Coding change: c.1316C>A on transcript NM_133259.4 (MANE Select); coding-DNA position 1316, C replaced by A.
Protein change: p.Pro439His; replaces proline 439 with histidine.
Molecular consequence: missense variant.
Genome position (GRCh38, 1-based): chr2:43,973,660, G>T on the plus strand (C>A on the coding strand, the complement: LRPPRC is on the minus strand). VCF-style: chr2-43973660-G-T. GRCh37 (hg19) VCF-style: chr2-44200799-G-T.
Other names: short protein forms P439H.
Identifiers: ClinVar variation 4281826 (VCV004281826.2).
Genomic context (GRCh38, chr2:43,973,660, plus strand): 5'-ATCTAACCTTGAACATTTTTTTCCTTCCGACGTCCAACTAGCAATGGCCAGAAATAGTGA[G>T]GTCTGATAGGAAAACCTTCCTCCTTCACAGCCTTCATTAAGGCTTTTGCCAAATCTGAAA-3'
Protein context (NP_573566.2, residues 429-449): AVKEEGFPIR[Pro439His]HYFWPLLVGR